The following is an entry in ClinVar:

ClinVar aggregate classification (germline): Likely benign. Review status: criteria provided, multiple submitters, no conflicts (2 of 4 stars). 6 submissions from 6 submitters: Likely benign (3). 3 of the submissions do not count toward it. Last evaluated 2026-01-27.

Conditions:
Familial thoracic aortic aneurysm and aortic dissection (TAAD). Also called: Thoracic aortic aneurysms and dissections. Identifiers: Orphanet 91387, MedGen C4707243, MONDO:0019625.
PLOD1-related disorder. Also called: PLOD1-related condition.
Ehlers-Danlos syndrome, kyphoscoliotic type 1 (EDSKSCL1). Also called: EHLERS-DANLOS SYNDROME, TYPE VIA; PLOD1-Related Kyphoscoliotic Ehlers-Danlos Syndrome; Ehlers-Danlos syndrome, hydroxylysine-deficient; EHLERS-DANLOS SYNDROME, OCULAR-SCOLIOTIC TYPE. Identifiers: Orphanet 1900, MedGen C0268342, MONDO:0016002, OMIM 225400. Disease mechanism: loss of function.

Allele frequency attached by ClinVar (database versions not stated): TOPMed 0.00012; ESP Exome Variant Server 0.00015; gnomAD exomes 0.00019; ExAC 0.00021; 1000 Genomes Project 30x 0.00031; 1000 Genomes Project 0.00040.
gnomAD v4.1: 124 of 1,614,116 alleles (0.0077%); highest among the groups gnomAD compares: East Asian, 0.11%; no homozygotes.

Submissions (6):

Labcorp Genetics (formerly Invitae), Labcorp
Classification: Likely benign for Ehlers-Danlos syndrome, kyphoscoliotic type 1. Last evaluated: 2026-01-27. Review status: criteria provided, single submitter. Criteria: Invitae Variant Classification Sherloc (09022015). Collection method: clinical testing. Allele origin: germline.

Blueprint Genetics
Classification: Likely benign. Last evaluated: 2024-11-18. Review status: criteria provided, single submitter. Criteria: ACMG Guidelines, 2015. Collection method: clinical testing. Allele origin: germline.

Ambry Genetics
Classification: Likely benign for Familial thoracic aortic aneurysm and aortic dissection. Last evaluated: 2022-04-03. Review status: criteria provided, single submitter. Criteria: Ambry Variant Classification Scheme 2023. Collection method: clinical testing. Allele origin: germline.

PreventionGenetics, part of Exact Sciences
Classification: Likely benign for PLOD1-related condition. Last evaluated: 2019-08-09. Review status: no assertion criteria provided. Collection method: clinical testing. Allele origin: germline. Not counted in ClinVar's aggregate classification.
Comment: This variant is classified as likely benign based on ACMG/AMP sequence variant interpretation guidelines (Richards et al. 2015 PMID: 25741868, with internal and published modifications).

Clinical Genetics DNA and cytogenetics Diagnostics Lab, Erasmus MC, Erasmus Medical Center
Classification: Likely benign. Review status: no assertion criteria provided. Collection method: clinical testing. Allele origin: germline. Affected: yes. Study: VKGL Data-share Consensus. Not counted in ClinVar's aggregate classification.

Genome Diagnostics Laboratory, Amsterdam University Medical Center
Classification: Likely benign. Review status: no assertion criteria provided. Collection method: clinical testing. Allele origin: germline. Affected: yes. Study: VKGL Data-share Consensus. Not counted in ClinVar's aggregate classification.

NM_000302.4(PLOD1):c.411G>A (p.Arg137=)

Gene: PLOD1 (procollagen-lysine,2-oxoglutarate 5-dioxygenase 1; plus strand). Cytogenetic location: 1p36.22.
Variant type: single nucleotide variant.
Coding change: c.411G>A on transcript NM_000302.4 (MANE Select); coding-DNA position 411, G replaced by A.
Protein change: p.Arg137=; no amino-acid change (arginine 137 retained).
Molecular consequence: synonymous variant.
Genome position (GRCh38, 1-based): chr1:11,950,465, G>A. VCF-style: chr1-11950465-G-A. GRCh37 (hg19) VCF-style: chr1-12010522-G-A.
Other names: c.552G>A, p.Arg184= (NM_001316320.2).
Identifiers: ClinVar variation 704796 (VCV000704796.18), dbSNP rs151122664, ClinGen allele CA597890.
Genomic context (GRCh38, chr1:11,950,465, plus strand): 5'-CCGGCAGGCCAGGAGCCAGGTGGTCTTCTCTGCTGAGGAGCTCATCTACCCAGACCGCAG[G>A]CTGGAGACCAAGTATCCGGTGGTGTCCGATGGCAAGAGGTTCCTGGGCTCTGGAGGTGAG-3'
Protein context (NP_000293.2, residues 127-147): SAEELIYPDR[Arg137=]LETKYPVVSD